The following is an entry in ClinVar:

ClinVar aggregate classification (germline): Likely benign (1 of 4 stars; one submission).

gnomAD v4.1: 6,770 of 1,613,680 alleles (0.42%); highest among the groups gnomAD compares: Non-Finnish European, 0.53%; 24 homozygotes.

Submissions (6):

CeGaT Center for Human Genetics Tuebingen
Classification: Likely benign. Last evaluated: 2026-03-01. Review status: criteria provided, single submitter. Criteria: CeGaT Center For Human Genetics Tuebingen Variant Classification Criteria Version 2. Collection method: clinical testing. Allele origin: germline. Affected: yes. Observed: 1 variant allele.
Comment: CD244: BP4, BS2

Dr. Peter K. Rogan Lab, Western University
No classification provided (evidence only). Condition: Thymoma. Review status: no classification provided. Collection method: in vitro. Allele origin: not applicable. Functional consequence: retained intron. Not counted in ClinVar's aggregate classification.

Dr. Peter K. Rogan Lab, Western University
No classification provided (evidence only). Condition: Malignant tumor of esophagus. Review status: no classification provided. Collection method: in vitro. Allele origin: not applicable. Functional consequence: retained intron. Not counted in ClinVar's aggregate classification.

Dr. Peter K. Rogan Lab, Western University
No classification provided (evidence only). Condition: Chronic lymphocytic leukemia/small lymphocytic lymphoma. Review status: no classification provided. Collection method: in vitro. Allele origin: not applicable. Functional consequence: retained intron. Not counted in ClinVar's aggregate classification.

Dr. Peter K. Rogan Lab, Western University
No classification provided (evidence only). Condition: Clear cell carcinoma of kidney. Review status: no classification provided. Collection method: in vitro. Allele origin: not applicable. Functional consequence: skipped exon. Not counted in ClinVar's aggregate classification.

Dr. Peter K. Rogan Lab, Western University
No classification provided (evidence only). Condition: Thyroid cancer, nonmedullary, 1. Review status: no classification provided. Collection method: in vitro. Allele origin: not applicable. Functional consequence: retained intron. Not counted in ClinVar's aggregate classification.

NM_016382.4(CD244):c.379G>C (p.Asp127His)

Gene: CD244 (CD244 molecule; minus strand). Cytogenetic location: 1q23.3.
Variant type: single nucleotide variant.
Coding change: c.379G>C on transcript NM_016382.4 (MANE Select); coding-DNA position 379, G replaced by C.
Protein change: p.Asp127His; replaces aspartic acid 127 with histidine.
Molecular consequence: missense variant.
Genome position (GRCh38, 1-based): chr1:160,841,584, C>G on the plus strand (G>C on the coding strand, the complement: CD244 is on the minus strand). VCF-style: chr1-160841584-C-G. GRCh37 (hg19) VCF-style: chr1-160811374-C-G.
Other names: NC_000001.10:g.160811374C>G; c.379G>C, p.Glu127Gln (NM_001166663.2, NM_001166664.2); short protein forms D127H, E127Q.
Identifiers: ClinVar variation 4310676 (VCV004310676.5).
Genomic context (GRCh38, chr1:160,841,584, plus strand): 5'-ACAGAACTTAGAGGCCTATAGGAATCAGAGAGGGCAGTATGAACAGTCCTGGAGACTTAC[C>G]AAATACAAAAACCTGGAACGTGGCTGTCTGAACTTTTCCAGATATACTGGTGACCTCCAG-3'
Protein context (NP_057466.1, residues 117-137): QTATFQVFVF[Asp127His]KVEKPRLQGQ